The following is an entry in ClinVar:

NM_194454.3(KRIT1):c.47G>C (p.Arg16Pro)

Gene: KRIT1 (KRIT1 ankyrin repeat containing; minus strand). Cytogenetic location: 7q21.2.
Variant type: single nucleotide variant.
Coding change: c.47G>C on transcript NM_194454.3 (MANE Select); coding-DNA position 47, G replaced by C.
Protein change: p.Arg16Pro; replaces arginine 16 with proline.
Molecular consequence: missense variant. On other transcripts: 5 prime UTR variant (1).
Genome position (GRCh38, 1-based): chr7:92,242,089, C>G on the plus strand (G>C on the coding strand, the complement: KRIT1 is on the minus strand). VCF-style: chr7-92242089-C-G. GRCh37 (hg19) VCF-style: chr7-91871403-C-G.
Other names: c.-537G>C (NM_001350671.1); c.47G>C, p.Arg16Pro (NM_001350672.1, NM_001350673.1, NM_001350674.1 and 29 more transcripts); short protein forms R16P.
Identifiers: ClinVar variation 1008435 (VCV001008435.8), dbSNP rs1313893193, ClinGen allele CA368167186.
Genomic context (GRCh38, chr7:92,242,089, plus strand): 5'-CTTACTTCATATGACTTAGCTCTGTATTCCCGAGAATTGAGACTGGCAGTATTCTTTGGA[C>G]GAATAACAGCAACATATGCATCTTCTATGTTTTCTGGATTTCCCATTGCTTTACAAAACA-3'
Protein context (NP_919436.1, residues 6-26): NIEDAYVAVI[Arg16Pro]PKNTASLNSR

ClinVar aggregate classification (germline): Conflicting classifications of pathogenicity. Review status: criteria provided, conflicting classifications (1 of 4 stars). 3 submissions from 3 submitters: Likely pathogenic (1); Uncertain significance (2). Last evaluated 2023-07-05.

Conditions:
Cerebral cavernous malformation (CCM). Also called: Cerebral cavernous hemangioma (type); CEREBRAL CAPILLARY MALFORMATIONS; CAVERNOUS ANGIOMA, FAMILIAL; CAVERNOUS ANGIOMATOUS MALFORMATIONS; Cerebral cavernous malformations; Cavernous Hemangioma of Brain. Identifiers: Orphanet 221061, MedGen C2919945, MONDO:0000820, OMIM 116860, HP:0033522.
KRIT1-related disorder. Also called: KRIT1-related disorders; KRIT1-related condition.

Submissions (3):

GeneDx
Classification: Uncertain significance. Last evaluated: 2023-07-05. Review status: criteria provided, single submitter. Criteria: GeneDx Variant Classification Process June 2021. Collection method: clinical testing. Allele origin: germline. Affected: yes.
Comment: Identified in a presumably unaffected individual during the development of a carrier screening assay, however, no additional family history or personal history information was provided (Crowgey et al., 2019); Not observed at significant frequency in large population cohorts (gnomAD); In silico analysis supports that this missense variant has a deleterious effect on protein structure/function; This variant is associated with the following publications: (PMID: 24670820, 31028937)

Labcorp Genetics (formerly Invitae), Labcorp
Classification: Uncertain significance for Cerebral cavernous malformation. Last evaluated: 2021-08-30. Review status: criteria provided, single submitter. Criteria: Invitae Variant Classification Sherloc (09022015). Collection method: clinical testing. Allele origin: germline.

Blueprint Genetics
Classification: Likely pathogenic for KRIT1-related disorders. Last evaluated: 2019-09-30. Review status: criteria provided, single submitter. Criteria: ACMG Guidelines, 2015. Collection method: clinical testing. Allele origin: germline. Affected: yes. Observed: 2 variant alleles.